The following is an entry in ClinVar:

ClinVar aggregate classification (germline): Uncertain significance (1 of 4 stars; one submission).

Conditions:
Ulnar-mammary syndrome (UMS). Also called: SCHINZEL SYNDROME; PALLISTER ULNAR-MAMMARY SYNDROME; Ulnar-mammary syndrome of Pallister. Identifiers: Orphanet 3138, MedGen C1866994, MONDO:0008411, OMIM 181450.

Submission:

Labcorp Genetics (formerly Invitae), Labcorp
Classification: Uncertain significance for Ulnar-mammary syndrome. Last evaluated: 2023-12-06. Review status: criteria provided, single submitter. Criteria: Invitae Variant Classification Sherloc (09022015). Collection method: clinical testing. Allele origin: germline.
Comment: This sequence change replaces valine, which is neutral and non-polar, with isoleucine, which is neutral and non-polar, at codon 438 of the TBX3 protein (p.Val438Ile). This variant is not present in population databases (gnomAD no frequency). This variant has not been reported in the literature in individuals affected with TBX3-related conditions. ClinVar contains an entry for this variant (Variation ID: 2127976). An algorithm developed to predict the effect of missense changes on protein structure and function (PolyPhen-2) suggests that this variant is likely to be tolerated. In summary, the available evidence is currently insufficient to determine the role of this variant in disease. Therefore, it has been classified as a Variant of Uncertain Significance.

NM_005996.4(TBX3):c.1312G>A (p.Val438Ile)

Gene: TBX3 (T-box transcription factor 3; minus strand). Cytogenetic location: 12q24.21.
Variant type: single nucleotide variant.
Coding change: c.1312G>A on transcript NM_005996.4 (MANE Select); coding-DNA position 1312, G replaced by A.
Protein change: p.Val438Ile; replaces valine 438 with isoleucine.
Molecular consequence: missense variant.
Genome position (GRCh38, 1-based): chr12:114,674,563, C>T on the plus strand (G>A on the coding strand, the complement: TBX3 is on the minus strand). VCF-style: chr12-114674563-C-T. GRCh37 (hg19) VCF-style: chr12-115112368-C-T.
Other names: c.1372G>A, p.Val458Ile (NM_016569.4); short protein forms V438I, V458I.
Identifiers: ClinVar variation 2127976 (VCV002127976.4), dbSNP rs2121384261, ClinGen allele CA386869191.